The following is an entry in ClinVar:

NM_015570.4(AUTS2):c.2633C>T (p.Ala878Val)

Gene: AUTS2 (activator of transcription and developmental regulator AUTS2; plus strand). Cytogenetic location: 7q11.22.
Variant type: single nucleotide variant.
Coding change: c.2633C>T on transcript NM_015570.4 (MANE Select); coding-DNA position 2633, C replaced by T.
Protein change: p.Ala878Val; replaces alanine 878 with valine.
Molecular consequence: missense variant.
Genome position (GRCh38, 1-based): chr7:70,789,849, C>T. VCF-style: chr7-70789849-C-T. GRCh37 (hg19) VCF-style: chr7-70254835-C-T.
Other names: c.2561C>T, p.Ala854Val (NM_001127231.3); short protein forms A854V, A878V.
Identifiers: ClinVar variation 2573796 (VCV002573796.1), dbSNP rs1202921547, ClinGen allele CA367664509.

ClinVar aggregate classification (germline): Uncertain significance (1 of 4 stars; one submission).

Submission:

GeneDx
Classification: Uncertain significance. Last evaluated: 2023-01-22. Review status: criteria provided, single submitter. Criteria: GeneDx Variant Classification Process June 2021. Collection method: clinical testing. Allele origin: germline. Affected: yes.
Comment: Not observed at significant frequency in large population cohorts (gnomAD); In silico analysis supports that this missense variant does not alter protein structure/function; Has not been previously published as pathogenic or benign to our knowledge